The following is an entry in ClinVar:

NM_004565.3(PEX14):c.762G>A (p.Ala254=)

Gene: PEX14 (peroxisomal biogenesis factor 14; plus strand). Cytogenetic location: 1p36.22.
Variant type: single nucleotide variant.
Coding change: c.762G>A on transcript NM_004565.3 (MANE Select); coding-DNA position 762, G replaced by A.
Protein change: p.Ala254=; no amino-acid change (alanine 254 retained).
Molecular consequence: synonymous variant.
Genome position (GRCh38, 1-based): chr1:10,629,615, G>A. VCF-style: chr1-10629615-G-A. GRCh37 (hg19) VCF-style: chr1-10689672-G-A.
Identifiers: ClinVar variation 858317 (VCV000858317.9), dbSNP rs572037966, ClinGen allele CA583961.
Genomic context (GRCh38, chr1:10,629,615, plus strand): 5'-AGCCCCGAAGATCCCCTCCTGGCAGATCCCAGTCAAGTCACCGTCACCCTCCAGCCCTGC[G>A]GCCGTGAACCACCACAGCAGCAGCGACATCTCACCTGTCAGCAACGAGTCCACGTCGTCC-3'
Protein context (NP_004556.1, residues 244-264): PVKSPSPSSP[Ala254=]AVNHHSSSDI

ClinVar aggregate classification (germline): Likely benign. Review status: criteria provided, multiple submitters, no conflicts (2 of 4 stars). 2 submissions from 2 submitters: Likely benign (2). Last evaluated 2025-12-15.

Conditions:
PEX14-related disorder. Also called: PEX14-related condition.
Peroxisome biogenesis disorder, complementation group K (CGK). Identifiers: MedGen C1866257, MONDO:0800365.

Allele frequency attached by ClinVar (database versions not stated): gnomAD exomes 0.00001 and 0.00002; ExAC 0.00002; TOPMed 0.00002; gnomAD 0.00004; 1000 Genomes Project 30x 0.00016; 1000 Genomes Project 0.00020.
gnomAD v4.1: 22 of 1,613,946 alleles (0.0014%); highest among the groups gnomAD compares: Middle Eastern, 0.017%; no homozygotes.

Submissions (2):

Labcorp Genetics (formerly Invitae), Labcorp
Classification: Likely benign for Peroxisome biogenesis disorder, complementation group K. Last evaluated: 2025-12-15. Review status: criteria provided, single submitter. Criteria: Invitae Variant Classification Sherloc (09022015). Collection method: clinical testing. Allele origin: germline.

PreventionGenetics, part of Exact Sciences
Classification: Likely benign for PEX14-related condition. Last evaluated: 2025-04-02. Review status: criteria provided, single submitter. Criteria: ACMG Guidelines, 2015. Collection method: clinical testing. Allele origin: germline.
Comment: This variant is classified as likely benign based on ACMG/AMP sequence variant interpretation guidelines (Richards et al. 2015 PMID: 25741868, with internal and published modifications).